The following is an entry in ClinVar:

NM_001267550.2(TTN):c.39296-18G>T

Gene: TTN (titin; minus strand). Cytogenetic location: 2q31.2.
Variant type: single nucleotide variant.
Coding change: c.39296-18G>T on transcript NM_001267550.2 (MANE Select); 18 bases into the intron before coding-DNA position 39296, G replaced by T.
Molecular consequence: intron variant.
Genome position (GRCh38, 1-based): chr2:178,651,985, C>A on the plus strand (G>T on the coding strand, the complement: TTN is on the minus strand). VCF-style: chr2-178651985-C-A. GRCh37 (hg19) VCF-style: chr2-179516712-C-A.
Other names: c.13283-9668G>T (NM_003319.4); c.13859-9668G>T (NM_133437.4); c.13658-9668G>T (NM_133432.3); c.31994-18G>T (NM_133378.4); c.34775-18G>T (NM_001256850.1).
Identifiers: ClinVar variation 392354 (VCV000392354.10), dbSNP rs748134833, ClinGen allele CA1996770.

ClinVar aggregate classification (germline): Likely benign. Review status: criteria provided, multiple submitters, no conflicts (2 of 4 stars). 3 submissions from 3 submitters: Likely benign (3). Last evaluated 2026-01-20.

Conditions:
Autosomal recessive limb-girdle muscular dystrophy type 2J (LGMDR10). Also called: Limb-girdle muscular dystrophy, type 2J; MUSCULAR DYSTROPHY, LIMB-GIRDLE, AUTOSOMAL RECESSIVE 10. Identifiers: Orphanet 140922, MedGen C1837342, MONDO:0012127, OMIM 608807.
Dilated cardiomyopathy 1G (CMD1G). Identifiers: Orphanet 154, MedGen C1858763, MONDO:0011400, OMIM 604145.

Allele frequency attached by ClinVar (database versions not stated): gnomAD 0.00003 and 0.00005; ExAC 0.00006; TOPMed 0.00007; gnomAD exomes 0.00010.
gnomAD v4.1: 55 of 1,610,582 alleles (0.0034%); highest among the groups gnomAD compares: Admixed American, 0.059%; no homozygotes.

Submissions (3):

Labcorp Genetics (formerly Invitae), Labcorp
Classification: Likely benign for Dilated cardiomyopathy 1G; Autosomal recessive limb-girdle muscular dystrophy type 2J. Last evaluated: 2026-01-20. Review status: criteria provided, single submitter. Criteria: Invitae Variant Classification Sherloc (09022015). Collection method: clinical testing. Allele origin: germline.

Blueprint Genetics
Classification: Likely benign. Last evaluated: 2024-10-24. Review status: criteria provided, single submitter. Criteria: ACMG Guidelines, 2015. Collection method: clinical testing. Allele origin: germline.

GeneDx
Classification: Likely benign. Last evaluated: 2018-02-08. Review status: criteria provided, single submitter. Criteria: GeneDx Variant Classification (06012015). Collection method: clinical testing. Allele origin: germline. Affected: yes.
Comment: This variant is considered likely benign or benign based on one or more of the following criteria: it is a conservative change, it occurs at a poorly conserved position in the protein, it is predicted to be benign by multiple in silico algorithms, and/or has population frequency not consistent with disease.